The following is an entry in ClinVar:

ClinVar aggregate classification (germline): Benign/Likely benign. Review status: criteria provided, multiple submitters, no conflicts (2 of 4 stars). 15 submissions from 12 submitters: Benign (10); Likely benign (5). Last evaluated 2026-02-01.

Conditions:
Dilated cardiomyopathy 1G (CMD1G). Identifiers: Orphanet 154, MedGen C1858763, MONDO:0011400, OMIM 604145.
Autosomal recessive limb-girdle muscular dystrophy type 2J (LGMDR10). Also called: Limb-girdle muscular dystrophy, type 2J; MUSCULAR DYSTROPHY, LIMB-GIRDLE, AUTOSOMAL RECESSIVE 10. Identifiers: Orphanet 140922, MedGen C1837342, MONDO:0012127, OMIM 608807.
Cardiomyopathy (CMYO). Also called: Cardiomyopathies. Identifiers: Orphanet 167848, MedGen C0878544, MONDO:0004994, HP:0001638. Inheritance: Various modes of inheritance.
Early-onset myopathy with fatal cardiomyopathy (CMYO5). Also called: Salih Myopathy; CONGENITAL MYOPATHY 5 WITH CARDIOMYOPATHY. Identifiers: Orphanet 289377, MedGen C2673677, MONDO:0012714, OMIM 611705. Disease mechanism: loss of function.
Myopathy, myofibrillar, 9, with early respiratory failure (MFM9). Also called: Hereditary myopathy with early respiratory failure; Myopathy, distal, with early respiratory failure, autosomal dominant; EDSTROM MYOPATHY; MYOPATHY, PROXIMAL, WITH EARLY RESPIRATORY MUSCLE INVOLVEMENT. Identifiers: Orphanet 178464, Orphanet 34521, MedGen C1863599, MONDO:0011362, OMIM 603689.
Tibial muscular dystrophy (TMD). Also called: Udd Distal Myopathy – Tibial Muscular Dystrophy; Tibial muscular dystrophy, tardive; UDD MYOPATHY. Identifiers: Orphanet 609, MedGen C1838244, MONDO:0010870, OMIM 600334.

Allele frequency attached by ClinVar (database versions not stated): gnomAD exomes 0.00027; ExAC 0.00034; ESP Exome Variant Server 0.00083; gnomAD 0.00103; TOPMed 0.00106; 1000 Genomes Project 0.00200; 1000 Genomes Project 30x 0.00203.
gnomAD v4.1: 285 of 1,613,600 alleles (0.018%); highest among the groups gnomAD compares: African/African-American, 0.35%; 1 homozygote.

Submissions (15):

Labcorp Genetics (formerly Invitae), Labcorp
Classification: Benign for Dilated cardiomyopathy 1G; Autosomal recessive limb-girdle muscular dystrophy type 2J. Last evaluated: 2026-02-01. Review status: criteria provided, single submitter. Criteria: Invitae Variant Classification Sherloc (09022015). Collection method: clinical testing. Allele origin: germline.

CeGaT Center for Human Genetics Tuebingen
Classification: Likely benign. Last evaluated: 2025-09-01. Review status: criteria provided, single submitter. Criteria: CeGaT Center For Human Genetics Tuebingen Variant Classification Criteria Version 2. Collection method: clinical testing. Allele origin: germline. Affected: yes. Observed: 1 variant allele.
Comment: TTN: BP4, BP7

Molecular Diagnostic Laboratory for Inherited Cardiovascular Disease, Montreal Heart Institute
Classification: Benign. Last evaluated: 2025-04-09. Review status: criteria provided, single submitter. Criteria: ACMG Guidelines, 2015. Collection method: clinical testing. Allele origin: germline. Affected: no.

Blueprint Genetics
Classification: Likely benign. Last evaluated: 2024-09-11. Review status: criteria provided, single submitter. Criteria: ACMG Guidelines, 2015. Collection method: clinical testing. Allele origin: germline.

ARUP Laboratories, Molecular Genetics and Genomics, ARUP Laboratories
Classification: Benign. Last evaluated: 2024-05-15. Review status: criteria provided, single submitter. Criteria: ARUP Molecular Germline Variant Investigation Process 2024. Collection method: clinical testing. Allele origin: germline.

CHEO Genetics Diagnostic Laboratory, Children's Hospital of Eastern Ontario
Classification: Benign for Cardiomyopathy. Last evaluated: 2023-05-16. Review status: criteria provided, single submitter. Criteria: ACMG Guidelines, 2015. Collection method: clinical testing. Allele origin: germline.

Women's Health and Genetics/Laboratory Corporation of America, LabCorp
Classification: Likely benign. Last evaluated: 2022-06-16. Review status: criteria provided, single submitter. Criteria: LabCorp Variant Classification Summary - May 2015. Collection method: clinical testing. Allele origin: germline.

Genome-Nilou Lab
Classification: Benign for Autosomal recessive limb-girdle muscular dystrophy type 2J. Last evaluated: 2021-09-10. Review status: criteria provided, single submitter. Criteria: ACMG Guidelines, 2015. Collection method: clinical testing. Allele origin: germline. Affected: no.

Genome-Nilou Lab
Classification: Benign for Myopathy, myofibrillar, 9, with early respiratory failure. Last evaluated: 2021-09-10. Review status: criteria provided, single submitter. Criteria: ACMG Guidelines, 2015. Collection method: clinical testing. Allele origin: germline. Affected: no.

Genome-Nilou Lab
Classification: Benign for Early-onset myopathy with fatal cardiomyopathy. Last evaluated: 2021-09-10. Review status: criteria provided, single submitter. Criteria: ACMG Guidelines, 2015. Collection method: clinical testing. Allele origin: germline. Affected: no.

Genome-Nilou Lab
Classification: Benign for Tibial muscular dystrophy. Last evaluated: 2021-09-10. Review status: criteria provided, single submitter. Criteria: ACMG Guidelines, 2015. Collection method: clinical testing. Allele origin: germline. Affected: no.

GeneDx
Classification: Likely benign. Last evaluated: 2021-06-24. Review status: criteria provided, single submitter. Criteria: GeneDx Variant Classification Process June 2021. Collection method: clinical testing. Allele origin: germline. Affected: yes.

Athena Diagnostics
Classification: Benign. Last evaluated: 2017-05-30. Review status: criteria provided, single submitter. Criteria: Athena Diagnostics Criteria. Collection method: clinical testing. Allele origin: germline.

Eurofins Ntd Llc (ga)
Classification: Likely benign. Last evaluated: 2017-01-04. Review status: criteria provided, single submitter. Criteria: EGL Classification Definitions 2015. Collection method: clinical testing. Allele origin: germline. Observed: 6 variant alleles, 6 heterozygotes.

Laboratory for Molecular Medicine, Mass General Brigham Personalized Medicine
Classification: Benign. Last evaluated: 2015-04-28. Review status: criteria provided, single submitter. Criteria: LMM Criteria. Collection method: clinical testing. Allele origin: germline. Observed: 3 variant alleles.
Comment: p.Thr6320Thr in exon 75 of TTN: This variant is not expected to have clinical si gnificance because it has been identified in 0.4% (38/9800) of African chromosom es by the Exome Aggregation Consortium (ExAC; db SNP rs187182557).

NM_001267550.2(TTN):c.22692A>T (p.Thr7564=)

Gene: TTN (titin; minus strand). Cytogenetic location: 2q31.2.
Variant type: single nucleotide variant.
Coding change: c.22692A>T on transcript NM_001267550.2 (MANE Select); coding-DNA position 22692, A replaced by T.
Protein change: p.Thr7564=; no amino-acid change (threonine 7564 retained).
Molecular consequence: synonymous variant. On other transcripts: intron variant (3).
Genome position (GRCh38, 1-based): chr2:178,721,971, T>A on the plus strand (A>T on the coding strand, the complement: TTN is on the minus strand). VCF-style: chr2-178721971-T-A. GRCh37 (hg19) VCF-style: chr2-179586698-T-A.
Other names: p.T7247T:ACA>ACT; c.21741A>T, p.Thr7247= (NM_001256850.1); c.18960A>T, p.Thr6320= (NM_133378.4); c.13282+16111A>T (NM_003319.4); c.13858+16111A>T (NM_133437.4); c.13657+16111A>T (NM_133432.3).
Identifiers: ClinVar variation 46704 (VCV000046704.42), dbSNP rs187182557, ClinGen allele CA139009.